The following is an entry in ClinVar:

ClinVar aggregate classification (germline): Uncertain significance (1 of 4 stars; one submission).

Submission:

GeneDx
Classification: Uncertain significance. Last evaluated: 2025-02-13. Review status: criteria provided, single submitter. Criteria: GeneDx Variant Classification Process June 2021. Collection method: clinical testing. Allele origin: germline. Affected: yes.
Comment: Not observed at significant frequency in large population cohorts (gnomAD); In silico analysis indicates that this missense variant does not alter protein structure/function; Has not been previously published as pathogenic or benign to our knowledge

NM_018480.7(TMEM126B):c.19G>A (p.Glu7Lys)

Gene: TMEM126B (transmembrane protein 126B; plus strand). Cytogenetic location: 11q14.1.
Variant type: single nucleotide variant.
Coding change: c.19G>A on transcript NM_018480.7 (MANE Select); coding-DNA position 19, G replaced by A.
Protein change: p.Glu7Lys; replaces glutamic acid 7 with lysine.
Molecular consequence: missense variant. On other transcripts: 5 prime UTR variant (5), initiator codon variant (1), non-coding transcript variant (2).
Genome position (GRCh38, 1-based): chr11:85,628,626, G>A. VCF-style: chr11-85628626-G-A. GRCh37 (hg19) VCF-style: chr11-85339670-G-A.
Other names: c.-173G>A (NM_001193537.3, NM_001350395.2); c.-244G>A (NM_001193538.3, NM_001350396.2); c.-144G>A (NM_001256546.2); c.3G>A, p.Met1Ile (NM_001256547.2); c.19G>A, p.Glu7Lys (NM_001350393.1, NM_001350394.2); short protein forms E7K, M1I.
Identifiers: ClinVar variation 4075577 (VCV004075577.1).